The following is an entry in ClinVar:

NM_014251.3(SLC25A13):c.1800C>A (p.Tyr600Ter)

Gene: SLC25A13 (solute carrier family 25 member 13; minus strand). Cytogenetic location: 7q21.3.
Variant type: single nucleotide variant.
Coding change: c.1800C>A on transcript NM_014251.3 (MANE Select); coding-DNA position 1800, C replaced by A.
Protein change: p.Tyr600Ter; replaces tyrosine 600 with a stop codon.
Molecular consequence: nonsense. On other transcripts: non-coding transcript variant (1).
Genome position (GRCh38, 1-based): chr7:96,121,696, G>T on the plus strand (C>A on the coding strand, the complement: SLC25A13 is on the minus strand). VCF-style: chr7-96121696-G-T. GRCh37 (hg19) VCF-style: chr7-95751008-G-T.
Other names: c.1803C>A, p.Tyr601Ter (NM_001160210.2); c.1800C>A (NM_014251.2); short protein forms Y600*, Y601*.
Identifiers: ClinVar variation 2678822 (VCV002678822.5), dbSNP rs765919667, ClinGen allele CA4352779.

ClinVar aggregate classification (germline): Pathogenic. Review status: criteria provided, multiple submitters, no conflicts (2 of 4 stars). 3 submissions from 3 submitters: Pathogenic (3). Last evaluated 2024-05-22.

Conditions:
Citrullinemia. Identifiers: Orphanet 187, MedGen C0175683, MONDO:0015991.
Citrin deficiency. Identifiers: Orphanet 247582, MedGen C1997910, MONDO:0016602.
Citrullinemia, type II, adult-onset (CDAA). Also called: CITRIN DEFICIENCY, ADOLESCENT OR ADULT ONSET. Identifiers: Orphanet 247585, MedGen CN295299, MONDO:0011326, OMIM 603471.

Allele frequency attached by ClinVar (database versions not stated): TOPMed 0.00001.
gnomAD v4.1: 4 of 1,614,116 alleles (0.00025%); highest among the groups gnomAD compares: Non-Finnish European, 0.00034%; no homozygotes.

Submissions (3):

Natera, Inc.
Classification: Pathogenic for Citrullinemia. Last evaluated: 2024-05-22. Review status: criteria provided, single submitter. Criteria: Natera Variant Classification Schema (03/2026). Collection method: clinical testing. Allele origin: germline.
Comment: The c.1800C>A variant in SLC25A13 is a nonsense variant predicted to introduce a stop codon at amino acid 600. This variant is expected to result in nonsense mediated decay, truncation, or a dysfunctional protein product. This variant is rare in the general population with a frequency below the threshold expected for the associated phenotype(s). Another variant at this same site results in an alteration predicted to cause a similar molecular effect has been observed in individual(s) with the associated phenotype. Given the available evidence, this variant is classified as Pathogenic.

Baylor Genetics
Classification: Pathogenic for Citrullinemia, type II, adult-onset. Last evaluated: 2024-03-22. Review status: criteria provided, single submitter. Criteria: ACMG Guidelines, 2015. Collection method: clinical testing. Allele origin: unknown.

Labcorp Genetics (formerly Invitae), Labcorp
Classification: Pathogenic for Citrin deficiency. Last evaluated: 2024-03-14. Review status: criteria provided, single submitter. Criteria: Invitae Variant Classification Sherloc (09022015). Collection method: clinical testing. Allele origin: germline.
Comment: This sequence change creates a premature translational stop signal (p.Tyr600*) in the SLC25A13 gene. While this is not anticipated to result in nonsense mediated decay, it is expected to disrupt the last 76 amino acid(s) of the SLC25A13 protein. This variant is present in population databases (rs765919667, gnomAD 0.002%). This premature translational stop signal has been observed in individuals with citrin deficiency (PMID: 11153906, 11343052). This variant disrupts the C-terminus of the SLC25A13 protein. Other variant(s) that disrupt this region (p.Glu601*, p.Arg605*) have been observed in individuals with SLC25A13-related conditions (PMID: 11153906, 11793471). This suggests that this may be a clinically significant region of the protein. For these reasons, this variant has been classified as Pathogenic.

Literature cited by the submitters: PubMed 11153906 (cited by Labcorp Genetics (formerly Invitae), Labcorp); PubMed 11343052 (cited by Labcorp Genetics (formerly Invitae), Labcorp); PubMed 11793471 (cited by Labcorp Genetics (formerly Invitae), Labcorp).